The following is an entry in ClinVar:

ClinVar aggregate classification (germline): Uncertain significance (1 of 4 stars; one submission).

Conditions:
Dilated cardiomyopathy 1G (CMD1G). Identifiers: Orphanet 154, MedGen C1858763, MONDO:0011400, OMIM 604145.
Autosomal recessive limb-girdle muscular dystrophy type 2J (LGMDR10). Also called: Limb-girdle muscular dystrophy, type 2J; MUSCULAR DYSTROPHY, LIMB-GIRDLE, AUTOSOMAL RECESSIVE 10. Identifiers: Orphanet 140922, MedGen C1837342, MONDO:0012127, OMIM 608807.

gnomAD v4.1: 1 of 1,613,814 alleles (0.000062%); highest among the groups gnomAD compares: Non-Finnish European, 0.000085%; no homozygotes.

Submission:

Labcorp Genetics (formerly Invitae), Labcorp
Classification: Uncertain significance for Dilated cardiomyopathy 1G; Autosomal recessive limb-girdle muscular dystrophy type 2J. Last evaluated: 2024-11-21. Review status: criteria provided, single submitter. Criteria: Invitae Variant Classification Sherloc (09022015). Collection method: clinical testing. Allele origin: germline.
Comment: This sequence change replaces proline, which is neutral and non-polar, with serine, which is neutral and polar, at codon 33713 of the TTN protein (p.Pro33713Ser). This variant is not present in population databases (gnomAD no frequency). This variant has not been reported in the literature in individuals affected with TTN-related conditions. ClinVar contains an entry for this variant (Variation ID: 2939238). Experimental studies and prediction algorithms are not available or were not evaluated, and the functional significance of this variant is currently unknown. This variant is located in the M band of TTN (PMID: 25589632). Non-truncating variants in this region may be relevant for neuromuscular disorders, but have not been definitively shown to cause cardiomyopathy (PMID: 23975875). In summary, the available evidence is currently insufficient to determine the role of this variant in disease. Therefore, it has been classified as a Variant of Uncertain Significance.

Literature cited by the submitters: PubMed 25589632; PubMed 23975875.

NM_001267550.2(TTN):c.101137C>T (p.Pro33713Ser)

Genes: TTN (titin; minus strand), TTN-AS1 (TTN antisense RNA 1; plus strand). Cytogenetic location: 2q31.2.
Variant type: single nucleotide variant.
Coding change: c.101137C>T on transcript NM_001267550.2 (MANE Select); coding-DNA position 101137, C replaced by T.
Protein change: p.Pro33713Ser; replaces proline 33713 with serine.
Molecular consequence: missense variant.
Genome position (GRCh38, 1-based): chr2:178,535,478, G>A on the plus strand (C>T on the coding strand, the complement: TTN is on the minus strand). VCF-style: chr2-178535478-G-A. GRCh37 (hg19) VCF-style: chr2-179400205-G-A.
Other names: c.96214C>T, p.Pro32072Ser (NM_001256850.1); c.73942C>T, p.Pro24648Ser (NM_003319.4); c.93433C>T, p.Pro31145Ser (NM_133378.4); c.74317C>T, p.Pro24773Ser (NM_133432.3); c.74518C>T, p.Pro24840Ser (NM_133437.4); short protein forms P24773S, P32072S, P31145S, P24840S, P33713S, P24648S.
Identifiers: ClinVar variation 2939238 (VCV002939238.3), dbSNP rs879214154, ClinGen allele CA349421580.